The following is an entry in ClinVar:

ClinVar aggregate classification (germline): Uncertain significance (1 of 4 stars; one submission).

Submission:

Labcorp Genetics (formerly Invitae), Labcorp
Classification: Uncertain significance. Last evaluated: 2025-05-05. Review status: criteria provided, single submitter. Criteria: Invitae Variant Classification Sherloc (09022015). Collection method: clinical testing. Allele origin: germline.
Comment: This sequence change falls in intron 7 of the EARS2 gene. It does not directly change the encoded amino acid sequence of the EARS2 protein. This variant is present in population databases (rs748851222, gnomAD 0.02%). This variant has not been reported in the literature in individuals affected with EARS2-related conditions. Algorithms developed to predict the effect of sequence changes on RNA splicing suggest that this variant may disrupt the consensus splice site. In summary, the available evidence is currently insufficient to determine the role of this variant in disease. Therefore, it has been classified as a Variant of Uncertain Significance.

NM_001083614.2(EARS2):c.1353-11TCT[2]

Gene: EARS2 (glutamyl-tRNA synthetase 2, mitochondrial; minus strand). Cytogenetic location: 16p12.2.
Variant type: Microsatellite.
Coding change: c.1353-11TCT[2] on transcript NM_001083614.2 (MANE Select); two copies in a row of the 3-base unit TCT starting at c.1353-11; the reference has three copies in a row; one copy, 3 bases deleted.
Molecular consequence: intron variant.
Genome position (GRCh38, 1-based): chr16:23,525,382-23,525,384, AGA deleted on the plus strand (TCT on the coding strand, the reverse complement: EARS2 is on the minus strand); deleting any 3 consecutive bases within chr16:23,525,382-23,525,390 gives the same sequence; the position shown is the placement nearest the transcript's 3' end. VCF-style (leftmost placement, unchanged base first): chr16-23525381-TAGA-T. GRCh37 (hg19) VCF-style: chr16-23536702-TAGA-T.
Other names: c.1353-11TCT[2] (NM_001308211.1).
Identifiers: ClinVar variation 1902325 (VCV001902325.5), dbSNP rs748851222, ClinGen allele CA7962310.
Genomic context (GRCh38, chr16:23,525,381, plus strand): 5'-TCTTCAGTTCTCCATTCAGCATATCCTGAGTTAAGCTCATACTAGATCTTTCTAGAAGCC[TAGA>T]AGAAGAGGGCCAGTTTACAGGGCCTGCATGGGCCAATGGCAAGTGGGTGGGAGGAAGGGC-3'